The following is an entry in ClinVar:

ClinVar aggregate classification (germline): Likely pathogenic (1 of 4 stars; one submission).

Conditions:
Glycogen storage disease IXd (GSD9D). Also called: Muscle Phosphorylase Kinase Deficiency; GSD IXd. Identifiers: Orphanet 715, MedGen C1845151, MONDO:0010362, OMIM 300559.

Submission:

Labcorp Genetics (formerly Invitae), Labcorp
Classification: Likely pathogenic for Glycogen storage disease IXd. Last evaluated: 2024-05-31. Review status: criteria provided, single submitter. Criteria: Invitae Variant Classification Sherloc (09022015). Collection method: clinical testing. Allele origin: germline.
Comment: This sequence change affects a donor splice site in intron 25 of the PHKA1 gene. It is expected to disrupt RNA splicing. Variants that disrupt the donor or acceptor splice site typically lead to a loss of protein function (PMID: 16199547), and loss-of-function variants in PHKA1 are known to be pathogenic (PMID: 9731190, 15637709). This variant is not present in population databases (gnomAD no frequency). This variant has not been reported in the literature in individuals affected with PHKA1-related conditions. Algorithms developed to predict the effect of sequence changes on RNA splicing suggest that this variant may disrupt the consensus splice site. In summary, the currently available evidence indicates that the variant is pathogenic, but additional data are needed to prove that conclusively. Therefore, this variant has been classified as Likely Pathogenic.

Literature cited by the submitters: PubMed 16199547; PubMed 9731190; PubMed 15637709.

NM_002637.4(PHKA1):c.2815+1G>A

Gene: PHKA1 (phosphorylase kinase regulatory subunit alpha 1; minus strand). Cytogenetic location: Xq13.1.
Variant type: single nucleotide variant.
Coding change: c.2815+1G>A on transcript NM_002637.4 (MANE Select); the canonical splice donor site of the intron after coding-DNA position 2815, G replaced by A.
Molecular consequence: splice donor variant.
Genome position (GRCh38, 1-based): chrX:72,605,270, C>T on the plus strand (G>A on the coding strand, the complement: PHKA1 is on the minus strand). VCF-style: chrX-72605270-C-T. GRCh37 (hg19) VCF-style: chrX-71825120-C-T.
Other names: c.2638+1G>A (NM_001172436.2); c.2815+1G>A (NM_001122670.2, NM_001431068.1).
Identifiers: ClinVar variation 3655136 (VCV003655136.2).